The following is an entry in ClinVar:

NM_001130009.3(GEN1):c.308A>T (p.Gln103Leu)

Gene: GEN1 (GEN1 Holliday junction 5' flap endonuclease; plus strand). Cytogenetic location: 2p24.2.
Variant type: single nucleotide variant.
Coding change: c.308A>T on transcript NM_001130009.3 (MANE Select); coding-DNA position 308, A replaced by T.
Protein change: p.Gln103Leu; replaces glutamine 103 with leucine.
Molecular consequence: missense variant.
Genome position (GRCh38, 1-based): chr2:17,761,542, A>T. VCF-style: chr2-17761542-A-T. GRCh37 (hg19) VCF-style: chr2-17942809-A-T.
Other names: c.308A>T, p.Gln103Leu (NM_182625.5); short protein forms Q103L.
Identifiers: ClinVar variation 3853618 (VCV003853618.1).

ClinVar aggregate classification (germline): Uncertain significance (1 of 4 stars; one submission).

gnomAD v4.1: 7 of 1,612,178 alleles (0.00043%); highest among the groups gnomAD compares: Non-Finnish European, 0.00059%; no homozygotes.

Submission:

Ambry Genetics
Classification: Uncertain significance. Last evaluated: 2025-03-07. Review status: criteria provided, single submitter. Criteria: Ambry Variant Classification Scheme 2023. Collection method: clinical testing. Allele origin: germline.
Comment: The p.Q103L variant (also known as c.308A>T), located in coding exon 2 of the GEN1 gene, results from an A to T substitution at nucleotide position 308. The glutamine at codon 103 is replaced by leucine, an amino acid with dissimilar properties. This amino acid position is conserved. In addition, this alteration is predicted to be tolerated by in silico analysis. Based on the available evidence, the clinical significance of this variant remains unclear.